The following is an entry in ClinVar:

ClinVar aggregate classification (germline): Uncertain significance (1 of 4 stars; one submission).

Conditions:
Idiopathic generalized epilepsy. Also called: EIG; Generalised epilepsy. Identifiers: MedGen C0270850, MONDO:0005579, OMIM 600669.

Allele frequency attached by ClinVar (database versions not stated): gnomAD exomes below 0.00001; TOPMed below 0.00001.
gnomAD v4.1: 2 of 1,551,112 alleles (0.00013%); highest among the groups gnomAD compares: Admixed American, 0.002%; no homozygotes.

Submission:

Labcorp Genetics (formerly Invitae), Labcorp
Classification: Uncertain significance for Idiopathic generalized epilepsy. Last evaluated: 2026-02-02. Review status: criteria provided, single submitter. Criteria: Invitae Variant Classification Sherloc (09022015). Collection method: clinical testing. Allele origin: germline.
Comment: This sequence change replaces arginine, which is basic and polar, with glutamine, which is neutral and polar, at codon 135 of the RBFOX3 protein (p.Arg135Gln). This variant is not present in population databases (gnomAD no frequency). This variant has not been reported in the literature in individuals affected with RBFOX3-related conditions. ClinVar contains an entry for this variant (Variation ID: 1420131). Invitae Evidence Modeling of protein sequence and biophysical properties (such as structural, functional, and spatial information, amino acid conservation, physicochemical variation, residue mobility, and thermodynamic stability) indicates that this missense variant is expected to disrupt RBFOX3 protein function with a positive predictive value of 80%. In summary, the available evidence is currently insufficient to determine the role of this variant in disease. Therefore, it has been classified as a Variant of Uncertain Significance.

NM_001350451.2(RBFOX3):c.404G>A (p.Arg135Gln)

Gene: RBFOX3 (RNA binding fox-1 homolog 3; minus strand). Cytogenetic location: 17q25.3.
Variant type: single nucleotide variant.
Coding change: c.404G>A on transcript NM_001350451.2 (MANE Select); coding-DNA position 404, G replaced by A.
Protein change: p.Arg135Gln; replaces arginine 135 with glutamine.
Molecular consequence: missense variant. On other transcripts: intron variant (1).
Genome position (GRCh38, 1-based): chr17:79,104,083, C>T on the plus strand (G>A on the coding strand, the complement: RBFOX3 is on the minus strand). VCF-style: chr17-79104083-C-T. GRCh37 (hg19) VCF-style: chr17-77100165-C-T.
Other names: c.404G>A, p.Arg135Gln (NM_001082575.3, NM_001350453.2, NM_001385804.1 and 35 more transcripts); c.401G>A, p.Arg134Gln (NM_001385806.1, NM_001385822.1, NM_001385823.1 and 4 more transcripts); c.361-2439G>A (NM_001385847.1); short protein forms R134Q, R135Q.
Identifiers: ClinVar variation 1420131 (VCV001420131.8), dbSNP rs2076940658, ClinGen allele CA401317211.